The following is an entry in ClinVar:

NM_022124.6(CDH23):c.3254C>T (p.Thr1085Ile)

Genes: C10orf105 (chromosome 10 open reading frame 105; minus strand), CDH23 (cadherin related 23; plus strand). Cytogenetic location: 10q22.1.
Variant type: single nucleotide variant.
Coding change: c.3254C>T on transcript NM_022124.6 (MANE Select); coding-DNA position 3254, C replaced by T.
Protein change: p.Thr1085Ile; replaces threonine 1085 with isoleucine.
Molecular consequence: missense variant. On other transcripts: 3 prime UTR variant (2).
Genome position (GRCh38, 1-based): chr10:71,712,698, C>T. VCF-style: chr10-71712698-C-T. GRCh37 (hg19) VCF-style: chr10-73472455-C-T.
Other names: c.*3238G>A (NM_001164375.3, NM_001168390.2); c.3254C>T, p.Thr1085Ile (NM_001171930.2); short protein forms T1085I.
Identifiers: ClinVar variation 1362422 (VCV001362422.10), dbSNP rs368147248, ClinGen allele CA5544537.

ClinVar aggregate classification (germline): Uncertain significance. Review status: criteria provided, multiple submitters, no conflicts (2 of 4 stars). 4 submissions from 4 submitters: Uncertain significance (4). Last evaluated 2025-07-04.

Conditions:
Cone-rod dystrophy. Also called: Cone/cone-rod dystrophy; Cone-rod degeneration. Identifiers: Orphanet 1872, MedGen C4085590, MONDO:0015993, HP:0000548.

Allele frequency attached by ClinVar (database versions not stated): gnomAD exomes 0.00002; ExAC 0.00003; gnomAD 0.00004 and 0.00005; TOPMed 0.00006; ESP Exome Variant Server 0.00008; 1000 Genomes Project 30x 0.00016; 1000 Genomes Project 0.00020.
gnomAD v4.1: 18 of 1,613,730 alleles (0.0011%); highest among the groups gnomAD compares: African/African-American, 0.017%; no homozygotes.

Submissions (4):

Labcorp Genetics (formerly Invitae), Labcorp
Classification: Uncertain significance. Last evaluated: 2025-07-04. Review status: criteria provided, single submitter. Criteria: Invitae Variant Classification Sherloc (09022015). Collection method: clinical testing. Allele origin: germline.
Comment: This sequence change replaces threonine, which is neutral and polar, with isoleucine, which is neutral and non-polar, at codon 1085 of the CDH23 protein (p.Thr1085Ile). This variant is present in population databases (rs368147248, gnomAD 0.03%). This variant has not been reported in the literature in individuals affected with CDH23-related conditions. ClinVar contains an entry for this variant (Variation ID: 1362422). Invitae Evidence Modeling of protein sequence and biophysical properties (such as structural, functional, and spatial information, amino acid conservation, physicochemical variation, residue mobility, and thermodynamic stability) has been performed for this missense variant. However, the output from this modeling did not meet the statistical confidence thresholds required to predict the impact of this variant on CDH23 protein function. In summary, the available evidence is currently insufficient to determine the role of this variant in disease. Therefore, it has been classified as a Variant of Uncertain Significance.

GeneDx
Classification: Uncertain significance. Last evaluated: 2024-05-15. Review status: criteria provided, single submitter. Criteria: GeneDx Variant Classification Process June 2021. Collection method: clinical testing. Allele origin: germline.
Comment: In silico analysis supports that this missense variant has a deleterious effect on protein structure/function; Has not been previously published as pathogenic or benign to our knowledge

Blueprint Genetics
Classification: Uncertain significance. Last evaluated: 2021-06-07. Review status: criteria provided, single submitter. Criteria: ACMG Guidelines, 2015. Collection method: clinical testing. Allele origin: germline.

Cambridge Genomics Laboratory, East Genomic Laboratory Hub, NHS Genomic Medicine Service
Classification: Uncertain significance for Cone-rod dystrophy. Last evaluated: 2020-04-21. Review status: criteria provided, single submitter. Criteria: ACGS Best Practice Guidelines for Variant Classification in Rare Disease 2020. Collection method: clinical testing. Allele origin: germline. Affected: yes. Observed: 1 variant allele.